The following is an entry in ClinVar:

NM_021813.4(BACH2):c.746G>A (p.Ser249Asn)

Gene: BACH2 (BACH transcriptional regulator 2; minus strand). Cytogenetic location: 6q15.
Variant type: single nucleotide variant.
Coding change: c.746G>A on transcript NM_021813.4 (MANE Select); coding-DNA position 746, G replaced by A.
Protein change: p.Ser249Asn; replaces serine 249 with asparagine.
Molecular consequence: missense variant.
Genome position (GRCh38, 1-based): chr6:89,951,360, C>T on the plus strand (G>A on the coding strand, the complement: BACH2 is on the minus strand). VCF-style: chr6-89951360-C-T. GRCh37 (hg19) VCF-style: chr6-90661079-C-T.
Other names: c.746G>A, p.Ser249Asn (NM_001170794.2); short protein forms S249N.
Identifiers: ClinVar variation 2970800 (VCV002970800.3), dbSNP rs368176638, ClinGen allele CA365072320.

ClinVar aggregate classification (germline): Uncertain significance (1 of 4 stars; one submission).

Allele frequency attached by ClinVar (database versions not stated): gnomAD 0.00001; TOPMed 0.00001.
gnomAD v4.1: 2 of 1,614,114 alleles (0.00012%); highest among the groups gnomAD compares: Non-Finnish European, 0.00017%; no homozygotes.

Submission:

Labcorp Genetics (formerly Invitae), Labcorp
Classification: Uncertain significance. Last evaluated: 2023-07-20. Review status: criteria provided, single submitter. Criteria: Invitae Variant Classification Sherloc (09022015). Collection method: clinical testing. Allele origin: germline.
Comment: Advanced modeling of protein sequence and biophysical properties (such as structural, functional, and spatial information, amino acid conservation, physicochemical variation, residue mobility, and thermodynamic stability) performed at Invitae indicates that this missense variant is not expected to disrupt BACH2 protein function. In summary, the available evidence is currently insufficient to determine the role of this variant in disease. Therefore, it has been classified as a Variant of Uncertain Significance. This variant is not present in population databases (gnomAD no frequency). This sequence change replaces serine, which is neutral and polar, with asparagine, which is neutral and polar, at codon 249 of the BACH2 protein (p.Ser249Asn). This variant has not been reported in the literature in individuals affected with BACH2-related conditions.